The following is an entry in ClinVar:

NM_015015.3(KDM4B):c.263T>A (p.Ile88Asn)

Gene: KDM4B (lysine demethylase 4B; plus strand). Cytogenetic location: 19p13.3.
Variant type: single nucleotide variant.
Coding change: c.263T>A on transcript NM_015015.3 (MANE Select); coding-DNA position 263, T replaced by A.
Protein change: p.Ile88Asn; replaces isoleucine 88 with asparagine.
Molecular consequence: missense variant.
Genome position (GRCh38, 1-based): chr19:5,039,957, T>A. VCF-style: chr19-5039957-T-A. GRCh37 (hg19) VCF-style: chr19-5039968-T-A.
Other names: c.263T>A, p.Ile88Asn (NM_001370093.1, NM_001370094.1, NM_001411148.1); short protein forms I88N.
Identifiers: ClinVar variation 4975962 (VCV004975962.1).

ClinVar aggregate classification (germline): Uncertain significance (1 of 4 stars; one submission).

Submission:

GeneDx
Classification: Uncertain significance. Last evaluated: 2026-02-09. Review status: criteria provided, single submitter. Criteria: GeneDx Variant Classification Process June 2021. Collection method: clinical testing. Allele origin: germline.
Comment: Not observed at significant frequency in large population cohorts (gnomAD); In silico analysis supports that this missense variant has a deleterious effect on protein structure/function; Has not been previously published as pathogenic or benign to our knowledge